The following is an entry in ClinVar:

ClinVar aggregate classification (germline): Uncertain significance (1 of 4 stars; one submission).

Conditions:
Tuberous sclerosis 1 (TSC1). Identifiers: Orphanet 805, MedGen C1854465, MONDO:0008612, OMIM 191100.

gnomAD v4.1: 2 of 1,614,182 alleles (0.00012%); highest among the groups gnomAD compares: South Asian, 0.0011%; no homozygotes.

Submission:

Labcorp Genetics (formerly Invitae), Labcorp
Classification: Uncertain significance for Tuberous sclerosis 1. Last evaluated: 2024-04-13. Review status: criteria provided, single submitter. Criteria: Invitae Variant Classification Sherloc (09022015). Collection method: clinical testing. Allele origin: germline.
Comment: This sequence change replaces arginine, which is basic and polar, with threonine, which is neutral and polar, at codon 947 of the TSC1 protein (p.Arg947Thr). This variant is not present in population databases (gnomAD no frequency). This variant has not been reported in the literature in individuals affected with TSC1-related conditions. Advanced modeling of protein sequence and biophysical properties (such as structural, functional, and spatial information, amino acid conservation, physicochemical variation, residue mobility, and thermodynamic stability) performed at Invitae indicates that this missense variant is not expected to disrupt TSC1 protein function with a negative predictive value of 95%. In summary, the available evidence is currently insufficient to determine the role of this variant in disease. Therefore, it has been classified as a Variant of Uncertain Significance.

NM_000368.5(TSC1):c.2840G>C (p.Arg947Thr)

Gene: TSC1 (TSC complex subunit 1; minus strand). Cytogenetic location: 9q34.13.
Variant type: single nucleotide variant.
Coding change: c.2840G>C on transcript NM_000368.5 (MANE Select); coding-DNA position 2840, G replaced by C.
Protein change: p.Arg947Thr; replaces arginine 947 with threonine.
Molecular consequence: missense variant. On other transcripts: non-coding transcript variant (5).
Genome position (GRCh38, 1-based): chr9:132,897,319, C>G on the plus strand (G>C on the coding strand, the complement: TSC1 is on the minus strand). VCF-style: chr9-132897319-C-G. GRCh37 (hg19) VCF-style: chr9-135772706-C-G.
Other names: c.2837G>C, p.Arg946Thr (NM_001162426.2, NM_001406597.1, NM_001406598.1 and 2 more transcripts); c.2687G>C, p.Arg896Thr (NM_001162427.2, NM_001406610.1); c.2477G>C, p.Arg826Thr (NM_001362177.2, NM_001406614.1, NM_001406615.1 and 4 more transcripts); c.2840G>C, p.Arg947Thr (NM_001406592.1, NM_001406593.1, NM_001406594.1 and 2 more transcripts); c.2825G>C, p.Arg942Thr (NM_001406601.1, NM_001406602.1); c.2822G>C, p.Arg941Thr (NM_001406603.1, NM_001406604.1); c.2474G>C, p.Arg825Thr (NM_001406620.1, NM_001406621.1, NM_001406622.1 and 1 more transcripts); c.2435G>C, p.Arg812Thr (NM_001406624.1); and 8 more; short protein forms R596T, R629T, R811T, R881T, R932T, R941T, R947T, R812T.
Identifiers: ClinVar variation 3649738 (VCV003649738.2).
Genomic context (GRCh38, chr9:132,897,319, plus strand): 5'-CCATATAAATCTAAGATCTCCAATTCAAACACCTGGGTTATCCTTTTCTGAGCCTCATAC[C>G]TGCTCTCTGCGGCCTGCAGCTGTCCTCTGAAAGATACAGACCAGCCAGAATATAGGAAGT-3'
Protein context (NP_000359.1, residues 937-957): ARGQLQAAES[Arg947Thr]YEAQKRITQV